The following is an entry in ClinVar:

ClinVar aggregate classification (germline): Pathogenic/Likely pathogenic. Review status: criteria provided, multiple submitters, no conflicts (2 of 4 stars). 4 submissions from 4 submitters: Pathogenic (1); Likely pathogenic (3). Last evaluated 2025-12-19.

Conditions:
Nemaline myopathy 2 (NEM2). Also called: Nemaline myopathy 2, autosomal recessive. Identifiers: MedGen C1850569, MONDO:0009725, OMIM 256030.
Arthrogryposis multiplex congenita 6. Identifiers: MedGen C5543431, MONDO:0030281, OMIM 619334.

Submissions (4):

Natera, Inc.
Classification: Likely pathogenic for Nemaline myopathy type 2. Last evaluated: 2025-12-19. Review status: criteria provided, single submitter. Criteria: Natera Variant Classification Schema (03/2026). Collection method: clinical testing. Allele origin: germline.
Comment: The c.612+1G>A variant in NEB is a canonical splice donor site variant predicted to affect pre-mRNA splicing, which may result in an abnormal transcript and altered protein product. This variant may result in a truncated or dysfunctional protein product. This variant is rare in the general population with a frequency below the threshold expected for the associated phenotype(s). This variant has been observed in one or more individuals affected with the associated recessive disease, as either homozygous or compound heterozygous with a second variant (PMID: 25205138, 33333461). Given the available evidence, this variant is classified as Likely Pathogenic.

Fulgent Genetics
Classification: Likely pathogenic for Nemaline myopathy 2; Arthrogryposis multiplex congenita 6. Last evaluated: 2024-04-03. Review status: criteria provided, single submitter. Criteria: ACMG Guidelines, 2015. Collection method: clinical testing. Allele origin: germline.

Labcorp Genetics (formerly Invitae), Labcorp
Classification: Likely pathogenic for Nemaline myopathy 2. Last evaluated: 2023-07-16. Review status: criteria provided, single submitter. Criteria: Invitae Variant Classification Sherloc (09022015). Collection method: clinical testing. Allele origin: germline.
Comment: This sequence change affects a donor splice site in intron 8 of the NEB gene. It is expected to disrupt RNA splicing. Variants that disrupt the donor or acceptor splice site typically lead to a loss of protein function (PMID: 16199547), and loss-of-function variants in NEB are known to be pathogenic (PMID: 25205138). The frequency data for this variant in the population databases is considered unreliable, as metrics indicate poor data quality at this position in the gnomAD database. In summary, the currently available evidence indicates that the variant is pathogenic, but additional data are needed to prove that conclusively. Therefore, this variant has been classified as Likely Pathogenic. Algorithms developed to predict the effect of sequence changes on RNA splicing suggest that this variant may disrupt the consensus splice site. ClinVar contains an entry for this variant (Variation ID: 1323345). Disruption of this splice site has been observed in individual(s) with nemaline myopathy (PMID: 25205138, 33333461).

Revvity Omics, Revvity
Classification: Pathogenic. Last evaluated: 2023-04-07. Review status: criteria provided, single submitter. Criteria: ACMG Guidelines, 2015. Collection method: clinical testing. Allele origin: germline.

Literature cited by the submitters: PubMed 25205138 (cited by Natera, Inc. and Labcorp Genetics (formerly Invitae), Labcorp); PubMed 33333461 (cited by Natera, Inc. and Labcorp Genetics (formerly Invitae), Labcorp); PubMed 16199547 (cited by Labcorp Genetics (formerly Invitae), Labcorp).

NM_001164508.2(NEB):c.612+1G>A

Gene: NEB (nebulin; minus strand). Cytogenetic location: 2q23.3.
Variant type: single nucleotide variant.
Coding change: c.612+1G>A on transcript NM_001164508.2 (MANE Select); the canonical splice donor site of the intron after coding-DNA position 612, G replaced by A.
Molecular consequence: splice donor variant.
Genome position (GRCh38, 1-based): chr2:151,724,259, C>T on the plus strand (G>A on the coding strand, the complement: NEB is on the minus strand). VCF-style: chr2-151724259-C-T. GRCh37 (hg19) VCF-style: chr2-152580773-C-T.
Other names: c.612+1G>A (NM_004543.5, NM_001164507.2, NM_001271208.2).
Identifiers: ClinVar variation 1323345 (VCV001323345.9), dbSNP rs1202331107, ClinGen allele CA348791792.